The following is an entry in ClinVar:

NM_000179.3(MSH6):c.3427C>A (p.Leu1143Ile)

Gene: MSH6 (mutS homolog 6; plus strand). Cytogenetic location: 2p16.3.
Variant type: single nucleotide variant.
Coding change: c.3427C>A on transcript NM_000179.3 (MANE Select); coding-DNA position 3427, C replaced by A.
Protein change: p.Leu1143Ile; replaces leucine 1143 with isoleucine.
Molecular consequence: missense variant. On other transcripts: non-coding transcript variant (5).
Genome position (GRCh38, 1-based): chr2:47,803,674, C>A. VCF-style: chr2-47803674-C-A. GRCh37 (hg19) VCF-style: chr2-48030813-C-A.
Other names: c.3037C>A, p.Leu1013Ile (NM_001281492.2); c.2521C>A, p.Leu841Ile (NM_001281493.2, NM_001281494.2, NM_001406811.1 and 6 more transcripts); c.3523C>A, p.Leu1175Ile (NM_001406795.1, NM_001406802.1); c.3427C>A, p.Leu1143Ile (NM_001406796.1, NM_001406800.1, NM_001406808.1 and 1 more transcripts); c.3130C>A, p.Leu1044Ile (NM_001406797.1, NM_001406801.1, NM_001406805.1 and 10 more transcripts); c.3253C>A, p.Leu1085Ile (NM_001406798.1); c.2902C>A, p.Leu968Ile (NM_001406799.1, NM_001406806.1, NM_001406807.1); c.2563C>A, p.Leu855Ile (NM_001406803.1); and 7 more; short protein forms L841I, L855I, L1044I, L1085I, L1117I, L1145I, L621I, L968I.
Identifiers: ClinVar variation 2764559 (VCV002764559.4), dbSNP rs1236342555, ClinGen allele CA346758945.

ClinVar aggregate classification (germline): Uncertain significance. Review status: criteria provided, multiple submitters, no conflicts (2 of 4 stars). 2 submissions from 2 submitters: Uncertain significance (2). Last evaluated 2025-03-10.

Conditions:
Hereditary nonpolyposis colorectal neoplasms. Identifiers: MedGen C0009405, MeSH D003123.
Hereditary cancer-predisposing syndrome. Also called: Hereditary neoplastic syndrome; Neoplastic Syndromes, Hereditary; Hereditary Cancer Syndrome; Tumor predisposition. Identifiers: Orphanet 140162, MedGen C0027672, MeSH D009386, MONDO:0015356.

gnomAD v4.1: 1 of 1,614,146 alleles (0.000062%); highest among the groups gnomAD compares: South Asian, 0.0011%; no homozygotes.

Submissions (2):

Ambry Genetics
Classification: Uncertain significance for Hereditary cancer-predisposing syndrome. Last evaluated: 2025-03-10. Review status: criteria provided, single submitter. Criteria: Ambry Variant Classification Scheme 2023. Collection method: clinical testing. Allele origin: germline.
Comment: The p.L1143I variant (also known as c.3427C>A), located in coding exon 5 of the MSH6 gene, results from a C to A substitution at nucleotide position 3427. The leucine at codon 1143 is replaced by isoleucine, an amino acid with highly similar properties. This amino acid position is conserved. In addition, this alteration is predicted to be deleterious by in silico analysis. Based on the available evidence, the clinical significance of this variant remains unclear.

Labcorp Genetics (formerly Invitae), Labcorp
Classification: Uncertain significance for Hereditary nonpolyposis colorectal neoplasms. Last evaluated: 2023-09-30. Review status: criteria provided, single submitter. Criteria: Invitae Variant Classification Sherloc (09022015). Collection method: clinical testing. Allele origin: germline.
Comment: This sequence change replaces leucine, which is neutral and non-polar, with isoleucine, which is neutral and non-polar, at codon 1143 of the MSH6 protein (p.Leu1143Ile). This variant is not present in population databases (gnomAD no frequency). This variant has not been reported in the literature in individuals affected with MSH6-related conditions. Advanced modeling of protein sequence and biophysical properties (such as structural, functional, and spatial information, amino acid conservation, physicochemical variation, residue mobility, and thermodynamic stability) performed at Invitae indicates that this missense variant is not expected to disrupt MSH6 protein function. In summary, the available evidence is currently insufficient to determine the role of this variant in disease. Therefore, it has been classified as a Variant of Uncertain Significance.